The following is an entry in ClinVar:

NM_005862.3(STAG1):c.469G>A (p.Glu157Lys)

Gene: STAG1 (stromal antigen 1; minus strand). Cytogenetic location: 3q22.3.
Variant type: single nucleotide variant.
Coding change: c.469G>A on transcript NM_005862.3 (MANE Select); coding-DNA position 469, G replaced by A.
Protein change: p.Glu157Lys; replaces glutamic acid 157 with lysine.
Molecular consequence: missense variant.
Genome position (GRCh38, 1-based): chr3:136,542,121, C>T on the plus strand (G>A on the coding strand, the complement: STAG1 is on the minus strand). VCF-style: chr3-136542121-C-T. GRCh37 (hg19) VCF-style: chr3-136260963-C-T.
Other names: short protein forms E157K.
Identifiers: ClinVar variation 451354 (VCV000451354.5), dbSNP rs1553743217, ClinGen allele CA354653353.

ClinVar aggregate classification (germline): Pathogenic (1 of 4 stars; one submission).

Submission:

GeneDx
Classification: Pathogenic. Last evaluated: 2022-06-30. Review status: criteria provided, single submitter. Criteria: GeneDx Variant Classification Process June 2021. Collection method: clinical testing. Allele origin: germline. Affected: yes.
Comment: Not observed at significant frequency in large population cohorts (gnomAD); In silico analysis supports that this missense variant has a deleterious effect on protein structure/function; Has not been previously published as pathogenic or benign to our knowledge